The following is an entry in ClinVar:

ClinVar aggregate classification (germline): Pathogenic (1 of 4 stars; one submission).

Conditions:
Lymphangiomyomatosis (LAM). Also called: Lymphangioleiomyomatosis; Lymphangioleiomyomatosis, somatic. Identifiers: Orphanet 538, MedGen C0751674, MONDO:0011705, OMIM 606690.
Isolated focal cortical dysplasia type II (FCORD2). Also called: Focal cortical dysplasia type II; CORTICAL DYSPLASIA OF TAYLOR. Identifiers: Orphanet 268994, MedGen C1846385, MONDO:0011818, OMIM 607341, HP:0032051.
Tuberous sclerosis 2 (TSC2). Identifiers: Orphanet 805, MedGen C1860707, MONDO:0013199, OMIM 613254.

Submission:

Juno Genomics, Hangzhou Juno Genomics, Inc
Classification: Pathogenic for Isolated focal cortical dysplasia type II; Lymphangiomyomatosis; Tuberous sclerosis 2. Review status: criteria provided, single submitter. Criteria: ACMG Guidelines, 2015. Collection method: clinical testing. Allele origin: germline. Affected: yes.
Comment: Absent from controls (or at extremely low frequency if recessive) in Genome Aggregation Database, Exome Sequencing Project, 1000 Genomes Project, or Exome Aggregation Consortium.;Null variant in a gene where loss of function (LOF) is a known mechanism of disease.;Patient's phenotype or family history is highly specific for a disease with a single genetic etiology.

NM_000548.5(TSC2):c.3003del (p.Ser1002fs)

Gene: TSC2 (TSC complex subunit 2; plus strand). Cytogenetic location: 16p13.3.
Variant type: Deletion.
Coding change: c.3003del on transcript NM_000548.5 (MANE Select); coding-DNA position 3003, one base deleted (G; older notation c.3003delG).
Protein change: p.Ser1002fs; shifts the reading frame from serine 1002.
Molecular consequence: frameshift variant. On other transcripts: non-coding transcript variant (5).
Genome position (GRCh38, 1-based): chr16:2,079,068, G deleted; the last of 4 consecutive G bases (chr16:2,079,065-2,079,068); deleting any one gives the same sequence. VCF-style (leftmost placement, unchanged base first): chr16-2079064-TG-T. GRCh37 (hg19) VCF-style: chr16-2129065-TG-T.
Other names: c.1530del, p.Ser511fs (NM_001406690.1, NM_001406692.1, NM_001406693.1 and 1 more transcripts); c.1527del, p.Ser510fs (NM_001406691.1, NM_001406695.1, NM_001406696.1 and 1 more transcripts); c.1269del, p.Ser424fs (NM_001406698.1); c.2874del, p.Ser959fs (NM_021055.3, NM_001363528.2, NM_001370405.1); c.2871del, p.Ser958fs (NM_001077183.3, NM_001370404.1, NM_001406665.1); c.3003del, p.Ser1002fs (NM_001114382.3); c.2763del, p.Ser922fs (NM_001318827.2); c.2727del, p.Ser910fs (NM_001318829.2); and 18 more; short protein forms S1001fs, S1002fs, S424fs, S510fs, S511fs, S554fs, S758fs, S759fs.
Identifiers: ClinVar variation 3382768 (VCV003382768.2).
Genomic context (GRCh38, chr16:2,079,064, plus strand): 5'-TGACCCTGGTCACGGCCTCTCCCTCCAGCAGGATACAGACGTCCCTCACCAGTGCCAGCT[TG>T]GGGTCTGCAGATGAGAACTCCGTGGCCCAGGCTGACGATAGCCTGAAAAACCTCCACCTG-3'